The following is an entry in ClinVar:

NM_000038.6(APC):c.3293del (p.Cys1098fs)

Gene: APC (APC regulator of Wnt signaling pathway; plus strand). Cytogenetic location: 5q22.2.
Variant type: Deletion.
Coding change: c.3293del on transcript NM_000038.6 (MANE Select); coding-DNA position 3293, one base deleted (G; older notation c.3293delG).
Protein change: p.Cys1098fs; shifts the reading frame from cysteine 1098.
Molecular consequence: frameshift variant. On other transcripts: non-coding transcript variant (2).
Genome position (GRCh38, 1-based): chr5:112,838,887, G deleted. VCF-style (leftmost placement, unchanged base first): chr5-112838886-TG-T. GRCh37 (hg19) VCF-style: chr5-112174583-TG-T.
Other names: c.3116del, p.Cys1039fs (NM_001354901.2, NM_001407453.1); c.3020del, p.Cys1007fs (NM_001354902.2); c.2990del, p.Cys997fs (NM_001354903.2, NM_001407458.1, NM_001407459.1 and 1 more transcripts); c.2915del, p.Cys972fs (NM_001354904.2); c.2813del, p.Cys938fs (NM_001354905.2); c.2444del, p.Cys815fs (NM_001354906.2, NM_001407470.1); c.3377del, p.Cys1126fs (NM_001407446.1); c.3347del, p.Cys1116fs (NM_001407447.1, NM_001407448.1, NM_001407449.1 and 1 more transcripts); and 11 more; short protein forms C1007fs, C1015fs, C1039fs, C1057fs, C1070fs, C1073fs, C1080fs, C1088fs.
Identifiers: ClinVar variation 2584121 (VCV002584121.2), dbSNP rs2533487121, ClinGen allele CA2582341505.
Genomic context (GRCh38, chr5:112,838,886, plus strand): 5'-TATACTGAGAGCACTGATGATAAACACCTCAAGTTCCAACCACATTTTGGACAGCAGGAA[TG>T]TGTTTCTCCATACAGGTCACGGGGAGCCAATGGTTCAGAAACAAATCGAGTGGGTTCTAA-3'

ClinVar aggregate classification (germline): Pathogenic (1 of 4 stars; one submission).

Conditions:
Familial adenomatous polyposis 1 (FAP1). Also called: FAMILIAL ADENOMATOUS POLYPOSIS 1, ATTENUATED; POLYPOSIS, ADENOMATOUS INTESTINAL. Identifiers: MedGen C2713442, MONDO:0021056, OMIM 175100. Disease mechanism: loss of function.

Submission:

Myriad Genetics, Inc.
Classification: Pathogenic for Familial adenomatous polyposis 1. Last evaluated: 2023-05-08. Review status: criteria provided, single submitter. Criteria: Myriad Autosomal Dominant, Autosomal Recessive and X-Linked Classification Criteria (2023). Collection method: clinical testing. Allele origin: unknown.
Comment: This variant is considered pathogenic. This variant creates a frameshift predicted to result in premature protein truncation.